The following is an entry in ClinVar:

ClinVar aggregate classification (germline): Likely benign (1 of 4 stars; one submission).

Submission:

CeGaT Center for Human Genetics Tuebingen
Classification: Likely benign. Last evaluated: 2026-05-01. Review status: criteria provided, single submitter. Criteria: CeGaT Center For Human Genetics Tuebingen Variant Classification Criteria Version 2. Collection method: clinical testing. Allele origin: germline. Affected: yes. Observed: 4 variant alleles.
Comment: FOXP1: BS1

NM_001349338.3(FOXP1):c.*3414GT[4]GCG[1]

Gene: FOXP1 (forkhead box P1; minus strand). Cytogenetic location: 3p13.
Variant type: Insertion.
Coding change: c.*3414GT[4]GCG[1] on transcript NM_001349338.3 (MANE Select).
Molecular consequence: 3 prime UTR variant. On other transcripts: non-coding transcript variant (2).
Genome position: GRCh38 VCF-style: chr3-70955832-G-GCGCACACACA. GRCh37 (hg19) VCF-style: chr3-71004983-G-GCGCACACACA.
Other names: c.*3414GT[4]GCG[1] (NM_001244808.3, NM_001244810.2, NM_001244812.3 and 12 more transcripts).
Identifiers: ClinVar variation 4534409 (VCV004534409.6).